The following is an entry in ClinVar:

NM_000540.3(RYR1):c.11933G>A (p.Ser3978Asn)

Gene: RYR1 (ryanodine receptor 1; plus strand). Cytogenetic location: 19q13.2.
Variant type: single nucleotide variant.
Coding change: c.11933G>A on transcript NM_000540.3 (MANE Select); coding-DNA position 11933, G replaced by A.
Protein change: p.Ser3978Asn; replaces serine 3978 with asparagine.
Molecular consequence: missense variant.
Genome position (GRCh38, 1-based): chr19:38,543,796, G>A. VCF-style: chr19-38543796-G-A. GRCh37 (hg19) VCF-style: chr19-39034436-G-A.
Other names: c.11918G>A, p.Ser3973Asn (NM_001042723.2); short protein forms S3973N, S3978N.
Identifiers: ClinVar variation 2774226 (VCV002774226.3), dbSNP rs1306810631, ClinGen allele CA405662790.
Genomic context (GRCh38, chr19:38,543,796, plus strand): 5'-TTCCCTTCCCCCCCACACGGCACTCTGCCTCCCAGGGTCCCTGCACCGGGAACCAGCAGA[G>A]CCTGGCGCACAGTCGCCTATGGGACGCAGTGGTGGGATTCCTGCACGTGTTCGCCCACAT-3'
Protein context (NP_000531.2, residues 3968-3988): IQGPCTGNQQ[Ser3978Asn]LAHSRLWDAV

ClinVar aggregate classification (germline): Uncertain significance. Review status: criteria provided, multiple submitters, no conflicts (2 of 4 stars). 2 submissions from 2 submitters: Uncertain significance (2). Last evaluated 2023-09-18.

Conditions:
Malignant hyperthermia, susceptibility to, 1 (MHS1). Also called: Malignant hyperthermia suceptibility 1; Anesthesia related hyperthermia; Malignant hyperpyrexia; Fulminating hyperpyrexia; Pharmacogenic myopathy; RYR1-Related Malignant Hyperthermia Susceptibility. Identifiers: Orphanet 423, MedGen C2930980, MONDO:0007783, OMIM 145600.

Submissions (2):

All of Us Research Program, National Institutes of Health
Classification: Uncertain significance for Malignant hyperthermia, susceptibility to, 1. Last evaluated: 2023-09-18. Review status: criteria provided, single submitter. Criteria: ACMG Guidelines, 2015. Collection method: clinical testing. Allele origin: germline. Inheritance: Autosomal dominant inheritance. Observed: 1 variant allele, 1 heterozygote.
Comment: This missense variant replaces serine with asparagine at codon 3978 of the RYR1 protein. Computational prediction is inconclusive regarding the impact of this variant on protein structure and function (internally defined REVEL score threshold 0.5 < inconclusive < 0.7, PMID: 27666373). To our knowledge, functional studies have not been reported for this variant. This variant has not been reported in individuals affected with RYR1-related disorders in the literature. This variant has been identified in 1/250808 chromosomes in the general population by the Genome Aggregation Database (gnomAD). The available evidence is insufficient to determine the role of this variant in disease conclusively. Therefore, this variant is classified as a Variant of Uncertain Significance.

This study involves interpretation of variants in research participants for the purpose of population health screening. Participant phenotype was not available at the time of variant classification. Additional details can be found in publication PMID: 35346344, PMCID: PMC8962531

Color Diagnostics, LLC DBA Color Health
Classification: Uncertain significance for Malignant hyperthermia, susceptibility to, 1. Last evaluated: 2023-07-20. Review status: criteria provided, single submitter. Criteria: ACMG Guidelines, 2015. Collection method: clinical testing. Allele origin: germline.
Comment: This missense variant replaces serine with asparagine at codon 3978 of the RYR1 protein. Computational prediction is inconclusive regarding the impact of this variant on protein structure and function (internally defined REVEL score threshold 0.5 < inconclusive < 0.7, PMID: 27666373). To our knowledge, functional studies have not been reported for this variant. This variant has not been reported in individuals affected with RYR1-related disorders in the literature. This variant has been identified in 1/250808 chromosomes in the general population by the Genome Aggregation Database (gnomAD). The available evidence is insufficient to determine the role of this variant in disease conclusively. Therefore, this variant is classified as a Variant of Uncertain Significance.